The following is an entry in ClinVar:

ClinVar aggregate classification (germline): Pathogenic. Review status: criteria provided, multiple submitters, no conflicts (2 of 4 stars). 3 submissions from 3 submitters: Pathogenic (2). 1 of the submissions does not count toward it. Last evaluated 2025-04-30.

Conditions:
Autosomal recessive inherited pseudoxanthoma elasticum (PXE). Identifiers: Orphanet 758, MedGen CN032334, MONDO:0009925, OMIM 264800.
ABCC6-related disorder. Also called: ABCC6-related condition.

Allele frequency attached by ClinVar (database versions not stated): TOPMed 0.00002.
gnomAD v4.1: 17 of 1,610,740 alleles (0.0011%); highest among the groups gnomAD compares: Admixed American, 0.0083%; no homozygotes.

Submissions (3):

Labcorp Genetics (formerly Invitae), Labcorp
Classification: Pathogenic. Last evaluated: 2025-04-30. Review status: criteria provided, single submitter. Criteria: Invitae Variant Classification Sherloc (09022015). Collection method: clinical testing. Allele origin: germline.
Comment: This sequence change replaces glycine, which is neutral and non-polar, with arginine, which is basic and polar, at codon 992 of the ABCC6 protein (p.Gly992Arg). This variant is present in population databases (rs72657692, gnomAD 0.006%). This missense change has been observed in individuals with pseudoxanthoma elasticum (PMID: 30805891, 32873932). It has also been observed to segregate with disease in related individuals. ClinVar contains an entry for this variant (Variation ID: 433524). Invitae Evidence Modeling of protein sequence and biophysical properties (such as structural, functional, and spatial information, amino acid conservation, physicochemical variation, residue mobility, and thermodynamic stability) indicates that this missense variant is expected to disrupt ABCC6 protein function with a positive predictive value of 95%. For these reasons, this variant has been classified as Pathogenic.

Blueprint Genetics
Classification: Pathogenic for ABCC6-related disorders. Last evaluated: 2024-03-18. Review status: criteria provided, single submitter. Criteria: ACMG Guidelines, 2015. Collection method: clinical testing. Allele origin: germline. Affected: yes. Observed: 3 variant alleles.

PXE International
Classification: Uncertain significance for Autosomal recessive inherited pseudoxanthoma elasticum. Last evaluated: 2021-02-02. Review status: no assertion criteria provided. Collection method: research. Allele origin: germline. Inheritance: Autosomal recessive inheritance. Affected: yes. Observed: 1 variant allele. Not counted in ClinVar's aggregate classification.

Literature cited by the submitters: PubMed 30805891 (cited by Labcorp Genetics (formerly Invitae), Labcorp and PXE International); PubMed 32873932 (cited by Labcorp Genetics (formerly Invitae), Labcorp and PXE International).

NM_001171.6(ABCC6):c.2974G>A (p.Gly992Arg)

Gene: ABCC6 (ATP binding cassette subfamily C member 6; minus strand). Cytogenetic location: 16p13.11.
Variant type: single nucleotide variant.
Coding change: c.2974G>A on transcript NM_001171.6 (MANE Select); coding-DNA position 2974, G replaced by A.
Protein change: p.Gly992Arg; replaces glycine 992 with arginine.
Molecular consequence: missense variant. On other transcripts: non-coding transcript variant (1).
Genome position (GRCh38, 1-based): chr16:16,169,667, C>T on the plus strand (G>A on the coding strand, the complement: ABCC6 is on the minus strand). VCF-style: chr16-16169667-C-T. GRCh37 (hg19) VCF-style: chr16-16263524-C-T.
Other names: c.2632G>A, p.Gly878Arg (NM_001351800.1); short protein forms G992R, G878R.
Identifiers: ClinVar variation 433524 (VCV000433524.9), dbSNP rs72657692, ClinGen allele CA7925730.